The following is an entry in ClinVar:

ClinVar aggregate classification (germline): Uncertain significance (1 of 4 stars; one submission).

Conditions:
Hereditary cancer-predisposing syndrome. Also called: Neoplastic Syndromes, Hereditary; Tumor predisposition; Hereditary Cancer Syndrome; Hereditary neoplastic syndrome. Identifiers: Orphanet 140162, MedGen C0027672, MeSH D009386, MONDO:0015356.

Submission:

Ambry Genetics
Classification: Uncertain significance for Hereditary cancer-predisposing syndrome. Last evaluated: 2020-12-09. Review status: criteria provided, single submitter. Criteria: Ambry Variant Classification Scheme 2023. Collection method: clinical testing. Allele origin: germline.
Comment: The p.Q220H variant (also known as c.660A>C), located in coding exon 6 of the NBN gene, results from an A to C substitution at nucleotide position 660. The glutamine at codon 220 is replaced by histidine, an amino acid with highly similar properties. This amino acid position is well conserved in available vertebrate species. In addition, this alteration is predicted to be tolerated by in silico analysis. Since supporting evidence is limited at this time, the clinical significance of this alteration remains unclear.

NM_002485.5(NBN):c.660A>C (p.Gln220His)

Gene: NBN (nibrin; minus strand). Cytogenetic location: 8q21.3.
Variant type: single nucleotide variant.
Coding change: c.660A>C on transcript NM_002485.5 (MANE Select); coding-DNA position 660, A replaced by C.
Protein change: p.Gln220His; replaces glutamine 220 with histidine.
Molecular consequence: missense variant.
Genome position (GRCh38, 1-based): chr8:89,971,215, T>G on the plus strand (A>C on the coding strand, the complement: NBN is on the minus strand). VCF-style: chr8-89971215-T-G. GRCh37 (hg19) VCF-style: chr8-90983443-T-G.
Other names: c.414A>C, p.Gln138His (NM_001024688.3); short protein forms Q138H, Q220H.
Identifiers: ClinVar variation 1754446 (VCV001754446.2), dbSNP rs876658674, ClinGen allele CA371659075.